The following is an entry in ClinVar:

ClinVar aggregate classification (germline): Uncertain significance. Review status: criteria provided, multiple submitters, no conflicts (2 of 4 stars). 4 submissions from 4 submitters: Uncertain significance (4). Last evaluated 2025-01-06.

Conditions:
Hyperphosphatasia with impaired intellectual development syndrome 2. Also called: GLYCOSYLPHOSPHATIDYLINOSITOL BIOSYNTHESIS DEFECT 6; Hyperphosphatasia with intellectual disability syndrome 2. Identifiers: Orphanet 247262, MedGen C3553637, MONDO:0013882, OMIM 614749.

Allele frequency attached by ClinVar (database versions not stated): gnomAD exomes 0.00003 and 0.00002; gnomAD 0.00004; ExAC 0.00002; TOPMed 0.00001.
gnomAD v4.1: 42 of 1,614,042 alleles (0.0026%); highest among the groups gnomAD compares: Admixed American, 0.042%; no homozygotes.

Submissions (4):

Labcorp Genetics (formerly Invitae), Labcorp
Classification: Uncertain significance for Hyperphosphatasia with impaired intellectual development syndrome 2. Last evaluated: 2025-01-06. Review status: criteria provided, single submitter. Criteria: Invitae Variant Classification Sherloc (09022015). Collection method: clinical testing. Allele origin: germline.
Comment: This sequence change replaces arginine, which is basic and polar, with glutamine, which is neutral and polar, at codon 122 of the PIGO protein (p.Arg122Gln). This variant is present in population databases (rs756043994, gnomAD 0.02%). This variant has not been reported in the literature in individuals affected with PIGO-related conditions. ClinVar contains an entry for this variant (Variation ID: 473231). Invitae Evidence Modeling of protein sequence and biophysical properties (such as structural, functional, and spatial information, amino acid conservation, physicochemical variation, residue mobility, and thermodynamic stability) indicates that this missense variant is not expected to disrupt PIGO protein function with a negative predictive value of 80%. In summary, the available evidence is currently insufficient to determine the role of this variant in disease. Therefore, it has been classified as a Variant of Uncertain Significance.

Women's Health and Genetics/Laboratory Corporation of America, LabCorp
Classification: Uncertain significance. Last evaluated: 2023-05-10. Review status: criteria provided, single submitter. Criteria: LabCorp Variant Classification Summary - May 2015. Collection method: clinical testing. Allele origin: germline.
Comment: Variant summary: PIGO c.365G>A (p.Arg122Gln) results in a conservative amino acid change in the encoded protein sequence. Four of five in-silico tools predict a benign effect of the variant on protein function. The variant allele was found at a frequency of 2.8e-05 in 251450 control chromosomes (gnomAD). The available data on variant occurrences in the general population are insufficient to allow any conclusion about variant significance. To our knowledge, no occurrence of c.365G>A in individuals affected with Hyperphosphatasia With Intellectual Disability Syndrome 2 and no experimental evidence demonstrating its impact on protein function have been reported. Two clinical diagnostic laboratories have submitted clinical-significance assessments for this variant to ClinVar after 2014 without evidence for independent evaluation and classified the variant as uncertain significance. Based on the evidence outlined above, the variant was classified as uncertain significance.

Athena Diagnostics
Classification: Uncertain significance. Last evaluated: 2022-12-27. Review status: criteria provided, single submitter. Criteria: Athena Diagnostics Criteria. Collection method: clinical testing. Allele origin: unknown.
Comment: Available data are insufficient to determine the clinical significance of the variant at this time. The frequency of this variant in the general population is uninformative in assessment of its pathogenicity. Computational tools predict that this variant is not damaging.

GeneDx
Classification: Uncertain significance. Last evaluated: 2021-03-05. Review status: criteria provided, single submitter. Criteria: GeneDx Variant Classification Process June 2021. Collection method: clinical testing. Allele origin: germline. Affected: yes.
Comment: In silico analysis supports that this missense variant does not alter protein structure/function; Has not been previously published as pathogenic or benign to our knowledge

NM_032634.4(PIGO):c.365G>A (p.Arg122Gln)

Gene: PIGO (phosphatidylinositol glycan anchor biosynthesis class O; minus strand). Cytogenetic location: 9p13.3.
Variant type: single nucleotide variant.
Coding change: c.365G>A on transcript NM_032634.4 (MANE Select); coding-DNA position 365, G replaced by A.
Protein change: p.Arg122Gln; replaces arginine 122 with glutamine.
Molecular consequence: missense variant.
Genome position (GRCh38, 1-based): chr9:35,095,201, C>T on the plus strand (G>A on the coding strand, the complement: PIGO is on the minus strand). VCF-style: chr9-35095201-C-T. GRCh37 (hg19) VCF-style: chr9-35095198-C-T.
Other names: c.365G>A, p.Arg122Gln (NM_001201484.2, NM_152850.4); short protein forms R122Q.
Identifiers: ClinVar variation 473231 (VCV000473231.11), dbSNP rs756043994, ClinGen allele CA5040959.